The following is an entry in ClinVar:

NC_012920.1(MT-TG):m.10015T>C

Gene: MT-TG (mitochondrially encoded tRNA glycine; plus strand).
Variant type: single nucleotide variant.
Genome position: chrM-10015-T-C.
Identifiers: ClinVar variation 690099 (VCV000690099.1), dbSNP rs28374827, ClinGen allele CA913161545.
Genomic context (GRCh38, chrMT:10,015, plus strand): 5'-TATTTCTGTATGTCTCCATCTATTGATGAGGGTCTTACTCTTTTAGTATAAATAGTACCG[T>C]TAACTTCCAATTAACTAGTTTTGACAACATTCAAAAAAGAGTAATAAACTTCGCCTTAAT-3'

ClinVar aggregate classification (germline): Uncertain significance (1 of 4 stars; one submission).

Conditions:
MELAS syndrome (MELAS). Also called: Juvenile myopathy, encephalopathy, lactic acidosis, stroke. Identifiers: Orphanet 550, MedGen C0162671, MONDO:0010789, OMIM 540000.

Submission:

Wong Mito Lab, Molecular and Human Genetics, Baylor College of Medicine
Classification: Uncertain significance for MELAS syndrome. Last evaluated: 2019-07-12. Review status: criteria provided, single submitter. Criteria: Modified ACMG Guidelines (Unpublished). Collection method: clinical testing. Allele origin: germline.
Comment: The NC_012920.1:m.10015T>C variant in MT-TG gene is interpreted to be a Unknown Significance variant based on the modified ACMG guidelines (unpublished). This variant meets the following evidence codes reported in the guidelines: PP7

Literature cited by the submitters: PubMed 31965079; PubMed 11335700.